The following is an entry in ClinVar:

NM_001376013.1(EPB41):c.1071G>A (p.Pro357=)

Gene: EPB41 (erythrocyte membrane protein band 4.1; plus strand). Cytogenetic location: 1p35.3.
Variant type: single nucleotide variant.
Coding change: c.1071G>A on transcript NM_001376013.1 (MANE Select); coding-DNA position 1071, G replaced by A.
Protein change: p.Pro357=; no amino-acid change (proline 357 retained).
Molecular consequence: synonymous variant.
Genome position (GRCh38, 1-based): chr1:29,018,389, G>A. VCF-style: chr1-29018389-G-A. GRCh37 (hg19) VCF-style: chr1-29344901-G-A.
Other names: p.Pro357=; c.1071G>A, p.Pro357= (NM_001166005.2, NM_001166006.2, NM_001376014.1 and 7 more transcripts); c.444G>A, p.Pro148= (NM_001166007.2, NM_001376022.1, NM_001376023.1 and 7 more transcripts); c.966G>A, p.Pro322= (NM_203343.3); c.444G>A (NM_004437.3).
Identifiers: ClinVar variation 4684799 (VCV004684799.4).
Genomic context (GRCh38, chr1:29,018,389, plus strand): 5'-GGGAGACTACGACCCAGAACTCCATGGCGTGGATTATGTTAGTGATTTTAAACTGGCCCC[G>A]AATCAGACCAAGGAACTTGAAGAGAAGGTCATGGAACTGCATAAGTCATACAGGTGAATA-3'
Protein context (NP_001362942.1, residues 347-367): VDYVSDFKLA[Pro357=]NQTKELEEKV

ClinVar aggregate classification (germline): Benign/Likely benign. Review status: criteria provided, multiple submitters, no conflicts (2 of 4 stars). 4 submissions from 4 submitters: Benign (1); Likely benign (3). Last evaluated 2025-12-23.

Conditions:
EPB41-related disorder. Also called: EPB41-related condition.

gnomAD v4.1: 184 of 1,614,040 alleles (0.011%); highest among the groups gnomAD compares: African/African-American, 0.17%; 1 homozygote.

Submissions (4):

Labcorp Genetics (formerly Invitae), Labcorp
Classification: Benign. Last evaluated: 2025-12-23. Review status: criteria provided, single submitter. Criteria: Invitae Variant Classification Sherloc (09022015). Collection method: clinical testing. Allele origin: germline.

PreventionGenetics, part of Exact Sciences
Classification: Likely benign for EPB41-related condition. Last evaluated: 2025-02-11. Review status: criteria provided, single submitter. Criteria: ACMG Guidelines, 2015. Collection method: clinical testing. Allele origin: germline.
Comment: This variant is classified as likely benign based on ACMG/AMP sequence variant interpretation guidelines (Richards et al. 2015 PMID: 25741868, with internal and published modifications).

Blueprint Genetics
Classification: Likely benign. Last evaluated: 2023-04-26. Review status: criteria provided, single submitter. Criteria: ACMG Guidelines, 2015. Collection method: clinical testing. Allele origin: germline.

Mayo Clinic Laboratories, Mayo Clinic
Classification: Likely benign. Last evaluated: 2021-09-24. Review status: criteria provided, single submitter. Criteria: ACMG Guidelines, 2015. Collection method: clinical testing. Allele origin: germline. Observed: 5 variant alleles.